The following is an entry in ClinVar:

NM_001853.4(COL9A3):c.519+4G>A

Gene: COL9A3 (collagen type IX alpha 3 chain; plus strand). Cytogenetic location: 20q13.33.
Variant type: single nucleotide variant.
Coding change: c.519+4G>A on transcript NM_001853.4 (MANE Select); 4 bases into the intron after coding-DNA position 519, G replaced by A.
Molecular consequence: intron variant.
Genome position (GRCh38, 1-based): chr20:62,822,636, G>A. VCF-style: chr20-62822636-G-A. GRCh37 (hg19) VCF-style: chr20-61453988-G-A.
Identifiers: ClinVar variation 1441784 (VCV001441784.7), dbSNP rs758898616, ClinGen allele CA9949318.

ClinVar aggregate classification (germline): Uncertain significance. Review status: criteria provided, multiple submitters, no conflicts (2 of 4 stars). 2 submissions from 2 submitters: Uncertain significance (2). Last evaluated 2025-02-05.

Allele frequency attached by ClinVar (database versions not stated): gnomAD exomes below 0.00001; ExAC 0.00001.
gnomAD v4.1: 1 of 1,611,974 alleles (0.000062%); highest among the groups gnomAD compares: Non-Finnish European, 0.000085%; no homozygotes.

Submissions (2):

Women's Health and Genetics/Laboratory Corporation of America, LabCorp
Classification: Uncertain significance. Last evaluated: 2025-02-05. Review status: criteria provided, single submitter. Criteria: LabCorp Variant Classification Summary - May 2015. Collection method: clinical testing. Allele origin: germline.
Comment: Variant summary: COL9A3 c.519+4G>A alters a non-conserved nucleotide located close to a canonical splice site and therefore could affect mRNA splicing, leading to a significantly altered protein sequence. Consensus agreement among computation tools predict no significant impact on normal splicing. However, these predictions have yet to be confirmed by functional studies. The variant allele was found at a frequency of 4e-06 in 249328 control chromosomes (gnomAD). The available data on variant occurrences in the general population are insufficient to allow any conclusion about variant significance. To our knowledge, no occurrence of c.519+4G>A in individuals affected with Epiphyseal Dysplasia, Multiple, 3 and no experimental evidence demonstrating its impact on protein function have been reported. ClinVar contains an entry for this variant (Variation ID: 1441784). Based on the evidence outlined above, the variant was classified as uncertain significance.

Labcorp Genetics (formerly Invitae), Labcorp
Classification: Uncertain significance. Last evaluated: 2021-08-22. Review status: criteria provided, single submitter. Criteria: Invitae Variant Classification Sherloc (09022015). Collection method: clinical testing. Allele origin: germline.
Comment: This variant has not been reported in the literature in individuals affected with COL9A3-related conditions. Variants that disrupt the consensus splice site are a relatively common cause of aberrant splicing (PMID: 17576681, 9536098). Algorithms developed to predict the effect of sequence changes on RNA splicing suggest that this variant is not likely to affect RNA splicing. In summary, the available evidence is currently insufficient to determine the role of this variant in disease. Therefore, it has been classified as a Variant of Uncertain Significance. The frequency data for this variant in the population databases is considered unreliable, as metrics indicate poor data quality at this position in the ExAC database. This sequence change falls in intron 10 of the COL9A3 gene. It does not directly change the encoded amino acid sequence of the COL9A3 protein. It affects a nucleotide within the consensus splice site of the intron.

Literature cited by the submitters: PubMed 17576681 (cited by Labcorp Genetics (formerly Invitae), Labcorp); PubMed 9536098 (cited by Labcorp Genetics (formerly Invitae), Labcorp).